The following is an entry in ClinVar:

ClinVar aggregate classification (germline): Conflicting classifications of pathogenicity. Review status: criteria provided, conflicting classifications (1 of 4 stars). 5 submissions from 5 submitters: Uncertain significance (4); Likely benign (1). Last evaluated 2025-08-07.

Conditions:
Inborn genetic diseases. Identifiers: MedGen C0950123, MeSH D030342.
Acute myeloid leukemia (AML). Also called: Leukemia, acute myeloid, somatic; Leukemia, acute myelogenous, somatic; Acute myeloid leukemia, adult; AML adult; Acute non-lymphocytic leukemia; Acute granulocytic leukemia. Identifiers: Orphanet 519, MedGen C0023467, MeSH D015470, MONDO:0018874, OMIM 601626, HP:0004808. Disease mechanism: Constitutively activated FLT3.

Allele frequency attached by ClinVar (database versions not stated): TOPMed 0.00002.

Submissions (5):

Labcorp Genetics (formerly Invitae), Labcorp
Classification: Uncertain significance for Acute myeloid leukemia. Last evaluated: 2025-08-07. Review status: criteria provided, single submitter. Criteria: Invitae Variant Classification Sherloc (09022015). Collection method: clinical testing. Allele origin: germline.
Comment: This sequence change replaces proline, which is neutral and non-polar, with arginine, which is basic and polar, at codon 14 of the CEBPA protein (p.Pro14Arg). This variant is not present in population databases (gnomAD no frequency). This missense change has been observed in individual(s) with CEBPA-related conditions (PMID: 33850299). ClinVar contains an entry for this variant (Variation ID: 456685). Invitae Evidence Modeling of protein sequence and biophysical properties (such as structural, functional, and spatial information, amino acid conservation, physicochemical variation, residue mobility, and thermodynamic stability) indicates that this missense variant is not expected to disrupt CEBPA protein function with a negative predictive value of 80%. In summary, the available evidence is currently insufficient to determine the role of this variant in disease. Therefore, it has been classified as a Variant of Uncertain Significance.

Ambry Genetics
Classification: Likely benign for Inborn genetic diseases. Last evaluated: 2025-03-13. Review status: criteria provided, single submitter. Criteria: Ambry Variant Classification Scheme 2023. Collection method: clinical testing. Allele origin: germline.

Baylor Genetics
Classification: Uncertain significance for Acute myeloid leukemia. Last evaluated: 2023-11-17. Review status: criteria provided, single submitter. Criteria: ACMG Guidelines, 2015. Collection method: clinical testing. Allele origin: unknown.

GeneDx
Classification: Uncertain significance. Last evaluated: 2022-03-31. Review status: criteria provided, single submitter. Criteria: GeneDx Variant Classification Process June 2021. Collection method: clinical testing. Allele origin: germline. Affected: yes.
Comment: Has not been previously published as pathogenic or benign to our knowledge; In silico analysis supports that this missense variant does not alter protein structure/function; Not observed at significant frequency in large population cohorts (gnomAD)

Genetic Services Laboratory, University of Chicago
Classification: Uncertain significance. Last evaluated: 2019-05-03. Review status: criteria provided, single submitter. Criteria: ACMG Guidelines, 2015. Collection method: clinical testing. Allele origin: germline. Affected: no.

Literature cited by the submitters: PubMed 33850299 (cited by Labcorp Genetics (formerly Invitae), Labcorp).

NM_004364.5(CEBPA):c.41C>G (p.Pro14Arg)

Genes: CEBPA (CCAAT enhancer binding protein alpha; minus strand), LOC130064183 (ATAC-STARR-seq lymphoblastoid silent region 10495; plus strand). Cytogenetic location: 19q13.11.
Variant type: single nucleotide variant.
Coding change: c.41C>G on transcript NM_004364.5 (MANE Select); coding-DNA position 41, C replaced by G.
Protein change: p.Pro14Arg; replaces proline 14 with arginine.
Molecular consequence: missense variant. On other transcripts: 5 prime UTR variant (2).
Genome position (GRCh38, 1-based): chr19:33,302,374, G>C on the plus strand (C>G on the coding strand, the complement: CEBPA is on the minus strand). VCF-style: chr19-33302374-G-C. GRCh37 (hg19) VCF-style: chr19-33793280-G-C.
Other names: c.-317C>G (NM_001285829.2); c.146C>G, p.Pro49Arg (NM_001287424.2); c.-2C>G (NM_001287435.2); short protein forms P14R, P49R.
Identifiers: ClinVar variation 456685 (VCV000456685.23), dbSNP rs1007915253, ClinGen allele CA405275805.